The following is an entry in ClinVar:

ClinVar aggregate classification (germline): Uncertain significance (1 of 4 stars; one submission).

Submission:

Ambry Genetics
Classification: Uncertain significance. Last evaluated: 2026-02-19. Review status: criteria provided, single submitter. Criteria: Ambry Variant Classification Scheme 2023. Collection method: clinical testing. Allele origin: germline.
Comment: The p.N15K variant (also known as c.45C>A), located in coding exon 1 of the MC1R gene, results from a C to A substitution at nucleotide position 45. The asparagine at codon 15 is replaced by lysine, an amino acid with similar properties. This amino acid position is conserved. In addition, this alteration is predicted to be tolerated by in silico analysis. Based on the available evidence, the clinical significance of this variant remains unclear.

NM_002386.4(MC1R):c.45C>A (p.Asn15Lys)

Gene: MC1R (melanocortin 1 receptor; plus strand). Cytogenetic location: 16q24.3.
Variant type: single nucleotide variant.
Coding change: c.45C>A on transcript NM_002386.4 (MANE Select); coding-DNA position 45, C replaced by A.
Protein change: p.Asn15Lys; replaces asparagine 15 with lysine.
Molecular consequence: missense variant.
Genome position (GRCh38, 1-based): chr16:89,919,303, C>A. VCF-style: chr16-89919303-C-A. GRCh37 (hg19) VCF-style: chr16-89985711-C-A.
Other names: short protein forms N15K.
Identifiers: ClinVar variation 4824156 (VCV004824156.1).